The following is an entry in ClinVar:

ClinVar aggregate classification (germline): Uncertain significance (1 of 4 stars; one submission).

Conditions:
Lymphoproliferative syndrome 2 (LPFS2). Also called: Combined immunodeficiency due to CD27 deficiency; CD27 DEFICIENCY. Identifiers: Orphanet 238505, MedGen C3554540, MONDO:0014054, OMIM 615122.

Submission:

Labcorp Genetics (formerly Invitae), Labcorp
Classification: Uncertain significance for Lymphoproliferative syndrome 2. Last evaluated: 2025-05-04. Review status: criteria provided, single submitter. Criteria: Invitae Variant Classification Sherloc (09022015). Collection method: clinical testing. Allele origin: germline.
Comment: This sequence change replaces cysteine, which is neutral and slightly polar, with tyrosine, which is neutral and polar, at codon 27 of the CD27 protein (p.Cys27Tyr). This variant is present in population databases (no rsID available, gnomAD 0.007%). This variant has not been reported in the literature in individuals affected with CD27-related conditions. Invitae Evidence Modeling of protein sequence and biophysical properties (such as structural, functional, and spatial information, amino acid conservation, physicochemical variation, residue mobility, and thermodynamic stability) indicates that this missense variant is expected to disrupt CD27 protein function with a positive predictive value of 80%. In summary, the available evidence is currently insufficient to determine the role of this variant in disease. Therefore, it has been classified as a Variant of Uncertain Significance.

NM_001242.5(CD27):c.80G>A (p.Cys27Tyr)

Genes: CD27 (CD27 molecule; plus strand), CD27-AS1 (CD27 antisense RNA 1; minus strand). Cytogenetic location: 12p13.31.
Variant type: single nucleotide variant.
Coding change: c.80G>A on transcript NM_001242.5 (MANE Select); coding-DNA position 80, G replaced by A.
Protein change: p.Cys27Tyr; replaces cysteine 27 with tyrosine.
Molecular consequence: missense variant. On other transcripts: non-coding transcript variant (3), intron variant (3).
Genome position (GRCh38, 1-based): chr12:6,445,175, G>A. VCF-style: chr12-6445175-G-A. GRCh37 (hg19) VCF-style: chr12-6554341-G-A.
Other names: c.80G>A, p.Cys27Tyr (NM_001413263.1, NM_001413264.1, NM_001413265.1); c.-402-249G>A (NM_001413267.1); c.-314-249G>A (NM_001413266.1, NM_001413268.1); short protein forms C27Y.
Identifiers: ClinVar variation 4774050 (VCV004774050.1).